The following is an entry in ClinVar:

NM_006662.3(SRCAP):c.4588A>G (p.Thr1530Ala)

Gene: SRCAP (Snf2 related CREBBP activator protein; plus strand). Cytogenetic location: 16p11.2.
Variant type: single nucleotide variant.
Coding change: c.4588A>G on transcript NM_006662.3 (MANE Select); coding-DNA position 4588, A replaced by G.
Protein change: p.Thr1530Ala; replaces threonine 1530 with alanine.
Molecular consequence: missense variant.
Genome position (GRCh38, 1-based): chr16:30,724,012, A>G. VCF-style: chr16-30724012-A-G. GRCh37 (hg19) VCF-style: chr16-30735333-A-G.
Other names: c.4588A>G (NM_006662.2); short protein forms T1530A.
Identifiers: ClinVar variation 1356196 (VCV001356196.7), dbSNP rs181190579, ClinGen allele CA280513332.

ClinVar aggregate classification (germline): Conflicting classifications of pathogenicity. Review status: criteria provided, conflicting classifications (1 of 4 stars). 3 submissions from 3 submitters: Uncertain significance (2); Likely benign (1). Last evaluated 2024-11-13.

Conditions:
Developmental delay, hypotonia, musculoskeletal defects, and behavioral abnormalities. Identifiers: MedGen C5562012, MONDO:0859202, OMIM 619595.
Floating-Harbor syndrome (FLHS). Also called: Short stature with delayed bone age, expressive language delay, a triangular face with a prominent nose and deep-set eyes; Pelletier-Leisti syndrome; SRCAP-Related Floating-Harbor Syndrome. Identifiers: Orphanet 2044, MedGen C0729582, MONDO:0007621, OMIM 136140.
Inborn genetic diseases. Identifiers: MedGen C0950123, MeSH D030342.

Allele frequency attached by ClinVar (database versions not stated): gnomAD exomes 0.00002 and 0.00003; 1000 Genomes Project 30x 0.00016; 1000 Genomes Project 0.00020.

Submissions (3):

Labcorp Genetics (formerly Invitae), Labcorp
Classification: Uncertain significance. Last evaluated: 2024-11-13. Review status: criteria provided, single submitter. Criteria: Invitae Variant Classification Sherloc (09022015). Collection method: clinical testing. Allele origin: germline.
Comment: This sequence change replaces threonine, which is neutral and polar, with alanine, which is neutral and non-polar, at codon 1530 of the SRCAP protein (p.Thr1530Ala). This variant is present in population databases (rs181190579, gnomAD 0.02%). This variant has not been reported in the literature in individuals affected with SRCAP-related conditions. ClinVar contains an entry for this variant (Variation ID: 1356196). Invitae Evidence Modeling of protein sequence and biophysical properties (such as structural, functional, and spatial information, amino acid conservation, physicochemical variation, residue mobility, and thermodynamic stability) indicates that this missense variant is not expected to disrupt SRCAP protein function with a negative predictive value of 80%. In summary, the available evidence is currently insufficient to determine the role of this variant in disease. Therefore, it has been classified as a Variant of Uncertain Significance.

Fulgent Genetics
Classification: Uncertain significance for Floating-Harbor syndrome; Developmental delay, hypotonia, musculoskeletal defects, and behavioral abnormalities. Last evaluated: 2022-02-25. Review status: criteria provided, single submitter. Criteria: ACMG Guidelines, 2015. Collection method: clinical testing. Allele origin: unknown.

Ambry Genetics
Classification: Likely benign for Inborn genetic diseases. Last evaluated: 2021-09-27. Review status: criteria provided, single submitter. Criteria: Ambry Variant Classification Scheme 2023. Collection method: clinical testing. Allele origin: germline.